The following is an entry in ClinVar:

ClinVar aggregate classification (germline): Uncertain significance. Review status: criteria provided, multiple submitters, no conflicts (2 of 4 stars). 2 submissions from 2 submitters: Uncertain significance (2). Last evaluated 2019-08-21.

Allele frequency attached by ClinVar (database versions not stated): gnomAD exomes below 0.00001; ExAC 0.00001.

Submissions (2):

GeneDx
Classification: Uncertain significance. Last evaluated: 2019-08-21. Review status: criteria provided, single submitter. Criteria: GeneDx Variant Classification Process June 2021. Collection method: clinical testing. Allele origin: germline. Affected: yes.
Comment: In silico analysis, which includes protein predictors and evolutionary conservation, supports a deleterious effect; Has not been previously published as pathogenic or benign to our knowledge

Laboratory for Molecular Medicine, Mass General Brigham Personalized Medicine
Classification: Uncertain significance. Last evaluated: 2015-02-24. Review status: criteria provided, single submitter. Criteria: LMM Criteria. Collection method: clinical testing. Allele origin: germline. Observed: 1 variant allele.
Comment: The p.Asp1930Gly variant in CDH23 has not been previously reported in individual s with hearing loss, but has been identified in 1/42108 European chromosomes by the Exome Aggregation Consortium (ExAC). Computa tional prediction tools and conservation analysis suggest that this variant may impact the protein, though this information is not predictive enough to determin e pathogenicity. In summary, the clinical significance of the p.Asp1930Gly varia nt is uncertain.

NM_022124.6(CDH23):c.5789A>G (p.Asp1930Gly)

Gene: CDH23 (cadherin related 23; plus strand). Cytogenetic location: 10q22.1.
Variant type: single nucleotide variant.
Coding change: c.5789A>G on transcript NM_022124.6 (MANE Select); coding-DNA position 5789, A replaced by G.
Protein change: p.Asp1930Gly; replaces aspartic acid 1930 with glycine.
Molecular consequence: missense variant.
Genome position (GRCh38, 1-based): chr10:71,785,707, A>G. VCF-style: chr10-71785707-A-G. GRCh37 (hg19) VCF-style: chr10-73545464-A-G.
Other names: short protein forms D1930G.
Identifiers: ClinVar variation 228498 (VCV000228498.7), dbSNP rs763582705, ClinGen allele CA5545874.
Genomic context (GRCh38, chr10:71,785,707, plus strand): 5'-TGAACCGGCCCCTGGACCGCGAGCGGATCCCAGAGTACAAGCTGACCATTTCTGTGAAGG[A>G]CAACCCGGAGAATCCACGCATAGCCAGGAGGGTGAGACTGGAGGGCACTGGTGGGAGTGG-3'
Protein context (NP_071407.4, residues 1920-1940): PEYKLTISVK[Asp1930Gly]NPENPRIARR